The following is an entry in ClinVar:

NM_198503.5(KCNT2):c.3333A>C (p.Pro1111=)

Gene: KCNT2 (potassium sodium-activated channel subfamily T member 2; minus strand). Cytogenetic location: 1q31.3.
Variant type: single nucleotide variant.
Coding change: c.3333A>C on transcript NM_198503.5 (MANE Select); coding-DNA position 3333, A replaced by C.
Protein change: p.Pro1111=; no amino-acid change (proline 1111 retained).
Molecular consequence: synonymous variant. On other transcripts: non-coding transcript variant (2).
Genome position (GRCh38, 1-based): chr1:196,228,299, T>G on the plus strand (A>C on the coding strand, the complement: KCNT2 is on the minus strand). VCF-style: chr1-196228299-T-G. GRCh37 (hg19) VCF-style: chr1-196197429-T-G.
Other names: c.3261A>C, p.Pro1087= (NM_001287819.3); c.3132A>C, p.Pro1044= (NM_001287820.3).
Identifiers: ClinVar variation 2639673 (VCV002639673.24), dbSNP rs760206396, ClinGen allele CA1303935.

ClinVar aggregate classification (germline): Likely benign (1 of 4 stars; one submission).

Allele frequency attached by ClinVar (database versions not stated): ExAC 0.00001; gnomAD 0.00002; gnomAD exomes 0.00003; TOPMed 0.00003.
gnomAD v4.1: 47 of 1,610,548 alleles (0.0029%); highest among the groups gnomAD compares: Admixed American, 0.0084%; no homozygotes.

Submission:

CeGaT Center for Human Genetics Tuebingen
Classification: Likely benign. Last evaluated: 2023-10-01. Review status: criteria provided, single submitter. Criteria: CeGaT Center For Human Genetics Tuebingen Variant Classification Criteria Version 2. Collection method: clinical testing. Allele origin: germline. Affected: yes. Observed: 1 variant allele.
Comment: KCNT2: BP4, BP7